The following is an entry in ClinVar:

ClinVar aggregate classification (germline): Uncertain significance (1 of 4 stars; one submission).

Conditions:
Inborn genetic diseases. Identifiers: MedGen C0950123, MeSH D030342.

Submission:

Ambry Genetics
Classification: Uncertain significance for Inborn genetic diseases. Last evaluated: 2025-03-31. Review status: criteria provided, single submitter. Criteria: Ambry Variant Classification Scheme 2023. Collection method: clinical testing. Allele origin: germline.
Comment: The p.R87S variant (also known as c.261G>T), located in coding exon 3 of the CEP57 gene, results from a G to T substitution at nucleotide position 261. The arginine at codon 87 is replaced by serine, an amino acid with dissimilar properties. This amino acid position is conserved. In addition, this alteration is predicted to be deleterious by in silico analysis. Based on the available evidence, the clinical significance of this variant remains unclear.

NM_014679.5(CEP57):c.261G>T (p.Arg87Ser)

Gene: CEP57 (centrosomal protein 57; plus strand). Cytogenetic location: 11q21.
Variant type: single nucleotide variant.
Coding change: c.261G>T on transcript NM_014679.5 (MANE Select); coding-DNA position 261, G replaced by T.
Protein change: p.Arg87Ser; replaces arginine 87 with serine.
Molecular consequence: missense variant.
Genome position (GRCh38, 1-based): chr11:95,812,990, G>T. VCF-style: chr11-95812990-G-T. GRCh37 (hg19) VCF-style: chr11-95546154-G-T.
Other names: c.234G>T, p.Arg78Ser (NM_001243776.2); c.261G>T, p.Arg87Ser (NM_001243777.2); c.180G>T, p.Arg60Ser (NM_001363604.2); short protein forms R60S, R87S, R78S.
Identifiers: ClinVar variation 4000996 (VCV004000996.1).
Genomic context (GRCh38, chr11:95,812,990, plus strand): 5'-AGCCATATTTTCTGCTCTTAAGAATCTTCAAGATAAGATTCGACGCTTGGAACTTGAGAG[G>T]ATTCAGGCAGAAGAAAGTGTGAAAACCTTGTCTAGAGAAACAATTGAATATAAGAAAGTA-3'
Protein context (NP_055494.2, residues 77-97): QDKIRRLELE[Arg87Ser]IQAEESVKTL